The following is an entry in ClinVar:

ClinVar aggregate classification (germline): Uncertain significance. Review status: criteria provided, multiple submitters, no conflicts (2 of 4 stars). 2 submissions from 2 submitters: Uncertain significance (2). Last evaluated 2025-12-10.

Conditions:
Inborn genetic diseases. Identifiers: MedGen C0950123, MeSH D030342.

Submissions (2):

Ambry Genetics
Classification: Uncertain significance for Inborn genetic diseases. Last evaluated: 2025-12-10. Review status: criteria provided, single submitter. Criteria: Ambry Variant Classification Scheme 2023. Collection method: clinical testing. Allele origin: germline.

Labcorp Genetics (formerly Invitae), Labcorp
Classification: Uncertain significance. Last evaluated: 2021-12-14. Review status: criteria provided, single submitter. Criteria: Invitae Variant Classification Sherloc (09022015). Collection method: clinical testing. Allele origin: germline.
Comment: In summary, the available evidence is currently insufficient to determine the role of this variant in disease. Therefore, it has been classified as a Variant of Uncertain Significance. Algorithms developed to predict the effect of missense changes on protein structure and function are either unavailable or do not agree on the potential impact of this missense change (SIFT: "Deleterious"; PolyPhen-2: "Not Available"; Align-GVGD: "Class C65"). This variant has not been reported in the literature in individuals affected with COL2A1-related conditions. This variant is not present in population databases (gnomAD no frequency). This sequence change replaces proline, which is neutral and non-polar, with leucine, which is neutral and non-polar, at codon 907 of the COL2A1 protein (p.Pro907Leu).

NM_001844.5(COL2A1):c.2720C>T (p.Pro907Leu)

Gene: COL2A1 (collagen type II alpha 1 chain; minus strand). Cytogenetic location: 12q13.11.
Variant type: single nucleotide variant.
Coding change: c.2720C>T on transcript NM_001844.5 (MANE Select); coding-DNA position 2720, C replaced by T.
Protein change: p.Pro907Leu; replaces proline 907 with leucine.
Molecular consequence: missense variant.
Genome position (GRCh38, 1-based): chr12:47,979,524, G>A on the plus strand (C>T on the coding strand, the complement: COL2A1 is on the minus strand). VCF-style: chr12-47979524-G-A. GRCh37 (hg19) VCF-style: chr12-48373307-G-A.
Other names: c.2513C>T, p.Pro838Leu (NM_033150.3); c.2720C>T (NM_001844.4); short protein forms P907L, P838L.
Identifiers: ClinVar variation 1943832 (VCV001943832.6), dbSNP rs2540116671, ClinGen allele CA384543831.